The following is an entry in ClinVar:

NM_000492.4(CFTR):c.4261G>T (p.Val1421Leu)

Genes: CFTR (CF transmembrane conductance regulator; plus strand), LOC111674477 (CFTR intron 23 enhancer; plus strand). Cytogenetic location: 7q31.2.
Variant type: single nucleotide variant.
Coding change: c.4261G>T on transcript NM_000492.4 (MANE Select); coding-DNA position 4261, G replaced by T.
Protein change: p.Val1421Leu; replaces valine 1421 with leucine.
Molecular consequence: missense variant.
Genome position (GRCh38, 1-based): chr7:117,666,926, G>T. VCF-style: chr7-117666926-G-T. GRCh37 (hg19) VCF-style: chr7-117306980-G-T.
Other names: p.Val1421Leu; short protein forms V1421L.
Identifiers: ClinVar variation 661390 (VCV000661390.12), dbSNP rs578237673, ClinGen allele CA4451679.

ClinVar aggregate classification (germline): Uncertain significance. Review status: criteria provided, multiple submitters, no conflicts (2 of 4 stars). 6 submissions from 6 submitters: Uncertain significance (5). 1 of the submissions does not count toward it. Last evaluated 2025-12-15.

Conditions:
Cystic fibrosis (CF). Also called: MUCOVISCIDOSIS. Identifiers: Orphanet 586, MedGen C0010674, MONDO:0009061, OMIM 219700. Disease mechanism: loss of function.
CFTR-related disorder (CFTR-RD). Also called: CFTR-related condition; CFTR-related disorders. Identifiers: MedGen C5924204, MONDO:7770004.

Allele frequency attached by ClinVar (database versions not stated): TOPMed 0.00006; 1000 Genomes Project 30x 0.00016; gnomAD 0.00002; ExAC 0.00001; 1000 Genomes Project 0.00020.
gnomAD v4.1: 7 of 1,614,042 alleles (0.00043%); highest among the groups gnomAD compares: African/African-American, 0.0053%; no homozygotes.

Submissions (6):

Labcorp Genetics (formerly Invitae), Labcorp
Classification: Uncertain significance for Cystic fibrosis. Last evaluated: 2025-12-15. Review status: criteria provided, single submitter. Criteria: Invitae Variant Classification Sherloc (09022015). Collection method: clinical testing. Allele origin: germline.
Comment: This sequence change replaces valine, which is neutral and non-polar, with leucine, which is neutral and non-polar, at codon 1421 of the CFTR protein (p.Val1421Leu). This variant is present in population databases (rs578237673, gnomAD 0.02%). This variant has not been reported in the literature in individuals affected with CFTR-related conditions. ClinVar contains an entry for this variant (Variation ID: 661390). Invitae Evidence Modeling of protein sequence and biophysical properties (such as structural, functional, and spatial information, amino acid conservation, physicochemical variation, residue mobility, and thermodynamic stability) indicates that this missense variant is not expected to disrupt CFTR protein function with a negative predictive value of 80%. In summary, the available evidence is currently insufficient to determine the role of this variant in disease. Therefore, it has been classified as a Variant of Uncertain Significance.

Mayo Clinic Laboratories, Mayo Clinic
Classification: Uncertain significance. Last evaluated: 2024-05-07. Review status: criteria provided, single submitter. Criteria: ACMG Guidelines, 2015. Collection method: clinical testing. Allele origin: germline. Observed: 1 variant allele.
Comment: BP4, PM2

Ambry Genetics
Classification: Uncertain significance for Cystic fibrosis. Last evaluated: 2023-02-21. Review status: criteria provided, single submitter. Criteria: Ambry Variant Classification Scheme 2023. Collection method: clinical testing. Allele origin: germline.
Comment: The p.V1421L variant (also known as c.4261G>T), located in coding exon 27 of the CFTR gene, results from a G to T substitution at nucleotide position 4261. The valine at codon 1421 is replaced by leucine, an amino acid with highly similar properties. This amino acid position is well conserved in available vertebrate species. In addition, the in silico prediction for this alteration is inconclusive. Since supporting evidence is limited at this time, the clinical significance of this alteration remains unclear.

Genome-Nilou Lab
Classification: Uncertain significance for Cystic fibrosis. Last evaluated: 2021-09-05. Review status: criteria provided, single submitter. Criteria: ACMG Guidelines, 2015. Collection method: clinical testing. Allele origin: germline. Affected: no.

Women's Health and Genetics/Laboratory Corporation of America, LabCorp
Classification: Uncertain significance. Last evaluated: 2019-12-16. Review status: criteria provided, single submitter. Criteria: LabCorp Variant Classification Summary - May 2015. Collection method: clinical testing. Allele origin: germline.
Comment: Variant summary: CFTR c.4261G>T (p.Val1421Leu) results in a conservative amino acid change located in the ABC transporter-like (IPR003439) of the encoded protein sequence. Three of five in-silico tools predict a benign effect of the variant on protein function. The variant allele was found at a frequency of 8e-06 in 250530 control chromosomes (gnomAD). The available data on variant occurrences in the general population are insufficient to allow any conclusion about variant significance. To our knowledge, no occurrence of c.4261G>T in individuals affected with Chronic Pancreatitis Risk and no experimental evidence demonstrating its impact on protein function have been reported. A ClinVar submitter (evaluation after 2014) cites the variant as uncertain significance. Based on the evidence outlined above, the variant was classified as uncertain significance.

Natera, Inc.
Classification: Uncertain significance for CFTR-related disorders. Last evaluated: 2018-06-29. Review status: no assertion criteria provided. Collection method: clinical testing. Allele origin: germline. Not counted in ClinVar's aggregate classification.